The following is an entry in ClinVar:

ClinVar aggregate classification (germline): Uncertain significance (1 of 4 stars; one submission).

Conditions:
Autosomal dominant nocturnal frontal lobe epilepsy 5. Also called: CILIARY DYSKINESIA, PRIMARY, 28, WITH SITUS INVERSUS; CILIARY DYSKINESIA, PRIMARY, 28, WITHOUT SITUS INVERSUS; KCNT1-Related Epilepsy; Epilepsy, nocturnal frontal lobe, 5. Identifiers: Orphanet 98784, MedGen C3554306, MONDO:0014002, OMIM 615005.
Developmental and epileptic encephalopathy, 14 (DEE14). Also called: Early infantile epileptic encephalopathy 14. Identifiers: Orphanet 293181, MedGen C3554195, MONDO:0013989, OMIM 614959.

Allele frequency attached by ClinVar (database versions not stated): gnomAD exomes below 0.00001.
gnomAD v4.1: 1 of 1,575,132 alleles (0.000063%); highest among the groups gnomAD compares: African/African-American, 0.0013%; no homozygotes.

Submission:

Labcorp Genetics (formerly Invitae), Labcorp
Classification: Uncertain significance for Autosomal dominant nocturnal frontal lobe epilepsy 5; Developmental and epileptic encephalopathy, 14. Last evaluated: 2023-11-27. Review status: criteria provided, single submitter. Criteria: Invitae Variant Classification Sherloc (09022015). Collection method: clinical testing. Allele origin: germline.
Comment: This sequence change replaces alanine, which is neutral and non-polar, with serine, which is neutral and polar, at codon 1129 of the KCNT1 protein (p.Ala1129Ser). This variant is not present in population databases (gnomAD no frequency). This variant has not been reported in the literature in individuals affected with KCNT1-related conditions. ClinVar contains an entry for this variant (Variation ID: 2011192). Advanced modeling of protein sequence and biophysical properties (such as structural, functional, and spatial information, amino acid conservation, physicochemical variation, residue mobility, and thermodynamic stability) performed at Invitae indicates that this missense variant is not expected to disrupt KCNT1 protein function with a negative predictive value of 95%. In summary, the available evidence is currently insufficient to determine the role of this variant in disease. Therefore, it has been classified as a Variant of Uncertain Significance.

NM_020822.3(KCNT1):c.3385G>T (p.Ala1129Ser)

Gene: KCNT1 (potassium sodium-activated channel subfamily T member 1; plus strand). Cytogenetic location: 9q34.3.
Variant type: single nucleotide variant.
Coding change: c.3385G>T on transcript NM_020822.3 (MANE Select); coding-DNA position 3385, G replaced by T.
Protein change: p.Ala1129Ser; replaces alanine 1129 with serine.
Molecular consequence: missense variant.
Genome position (GRCh38, 1-based): chr9:135,786,404, G>T. VCF-style: chr9-135786404-G-T. GRCh37 (hg19) VCF-style: chr9-138678250-G-T.
Other names: c.3250G>T, p.Ala1084Ser (NM_001272003.2); short protein forms A1129S, A1084S.
Identifiers: ClinVar variation 2011192 (VCV002011192.4), dbSNP rs1834052820, ClinGen allele CA375491924.